The following is an entry in ClinVar:

ClinVar aggregate classification (germline): Uncertain significance (1 of 4 stars; one submission).

Conditions:
Alstrom syndrome (ALMS). Identifiers: Orphanet 64, MedGen C0268425, MONDO:0008763, OMIM 203800.

Allele frequency attached by ClinVar (database versions not stated): TOPMed below 0.00001; gnomAD 0.00001.

Submission:

Labcorp Genetics (formerly Invitae), Labcorp
Classification: Uncertain significance for Alstrom syndrome. Last evaluated: 2025-12-16. Review status: criteria provided, single submitter. Criteria: Invitae Variant Classification Sherloc (09022015). Collection method: clinical testing. Allele origin: germline.
Comment: This sequence change replaces lysine, which is basic and polar, with threonine, which is neutral and polar, at codon 4140 of the ALMS1 protein (p.Lys4140Thr). This variant is not present in population databases (gnomAD no frequency). This variant has not been reported in the literature in individuals affected with ALMS1-related conditions. ClinVar contains an entry for this variant (Variation ID: 1980237). Experimental studies and prediction algorithms are not available or were not evaluated, and the functional significance of this variant is currently unknown. In summary, the available evidence is currently insufficient to determine the role of this variant in disease. Therefore, it has been classified as a Variant of Uncertain Significance.

NM_001378454.1(ALMS1):c.12416A>C (p.Lys4139Thr)

Gene: ALMS1 (ALMS1 centrosome and basal body associated protein; plus strand). Cytogenetic location: 2p13.1.
Variant type: single nucleotide variant.
Coding change: c.12416A>C on transcript NM_001378454.1 (MANE Select); coding-DNA position 12416, A replaced by C.
Protein change: p.Lys4139Thr; replaces lysine 4139 with threonine.
Molecular consequence: missense variant.
Genome position (GRCh38, 1-based): chr2:73,608,528, A>C. VCF-style: chr2-73608528-A-C. GRCh37 (hg19) VCF-style: chr2-73835655-A-C.
Other names: c.12419A>C, p.Lys4140Thr (NM_015120.4); short protein forms K4139T, K4140T.
Identifiers: ClinVar variation 1980237 (VCV001980237.4), dbSNP rs1675869216, ClinGen allele CA347274999.